The following is an entry in ClinVar:

NM_024741.3(ZNF408):c.574G>A (p.Ala192Thr)

Gene: ZNF408 (zinc finger protein 408; plus strand). Cytogenetic location: 11p11.2.
Variant type: single nucleotide variant.
Coding change: c.574G>A on transcript NM_024741.3 (MANE Select); coding-DNA position 574, G replaced by A.
Protein change: p.Ala192Thr; replaces alanine 192 with threonine.
Molecular consequence: missense variant.
Genome position (GRCh38, 1-based): chr11:46,703,165, G>A. VCF-style: chr11-46703165-G-A. GRCh37 (hg19) VCF-style: chr11-46724715-G-A.
Other names: c.574G>A (NM_024741.2); c.550G>A, p.Ala184Thr (NM_001184751.2); short protein forms A192T, A184T.
Identifiers: ClinVar variation 2981523 (VCV002981523.4), dbSNP rs1187492124, ClinGen allele CA380252531.

ClinVar aggregate classification (germline): Uncertain significance. Review status: criteria provided, multiple submitters, no conflicts (2 of 4 stars). 2 submissions from 2 submitters: Uncertain significance (2). Last evaluated 2025-08-24.

Conditions:
Inborn genetic diseases. Identifiers: MedGen C0950123, MeSH D030342.

Allele frequency attached by ClinVar (database versions not stated): TOPMed 0.00001; gnomAD exomes 0.00003.
gnomAD v4.1: 38 of 1,606,922 alleles (0.0024%); highest among the groups gnomAD compares: Non-Finnish European, 0.0031%; no homozygotes.

Submissions (2):

Ambry Genetics
Classification: Uncertain significance for Inborn genetic diseases. Last evaluated: 2025-08-24. Review status: criteria provided, single submitter. Criteria: Ambry Variant Classification Scheme 2023. Collection method: clinical testing. Allele origin: germline.

Labcorp Genetics (formerly Invitae), Labcorp
Classification: Uncertain significance. Last evaluated: 2025-05-06. Review status: criteria provided, single submitter. Criteria: Invitae Variant Classification Sherloc (09022015). Collection method: clinical testing. Allele origin: germline.
Comment: This sequence change replaces alanine, which is neutral and non-polar, with threonine, which is neutral and polar, at codon 192 of the ZNF408 protein (p.Ala192Thr). This variant is present in population databases (no rsID available, gnomAD 0.002%). This variant has not been reported in the literature in individuals affected with ZNF408-related conditions. ClinVar contains an entry for this variant (Variation ID: 2981523). An algorithm developed to predict the effect of missense changes on protein structure and function outputs the following: PolyPhen-2: "Benign". The threonine amino acid residue is found in multiple mammalian species, which suggests that this missense change does not adversely affect protein function. In summary, the available evidence is currently insufficient to determine the role of this variant in disease. Therefore, it has been classified as a Variant of Uncertain Significance.